The following is an entry in ClinVar:

NM_021098.3(CACNA1H):c.6004G>A (p.Gly2002Ser)

Gene: CACNA1H (calcium voltage-gated channel subunit alpha1 H; plus strand). Cytogenetic location: 16p13.3.
Variant type: single nucleotide variant.
Coding change: c.6004G>A on transcript NM_021098.3 (MANE Select); coding-DNA position 6004, G replaced by A.
Protein change: p.Gly2002Ser; replaces glycine 2002 with serine.
Molecular consequence: missense variant.
Genome position (GRCh38, 1-based): chr16:1,219,086, G>A. VCF-style: chr16-1219086-G-A. GRCh37 (hg19) VCF-style: chr16-1269086-G-A.
Other names: c.5986G>A, p.Gly1996Ser (NM_001005407.2); short protein forms G1996S, G2002S.
Identifiers: ClinVar variation 2945361 (VCV002945361.3), dbSNP rs1357838162, ClinGen allele CA394148450.

ClinVar aggregate classification (germline): Uncertain significance (1 of 4 stars; one submission).

Conditions:
Idiopathic generalized epilepsy. Also called: Generalised epilepsy; EIG. Identifiers: MedGen C0270850, MONDO:0005579, OMIM 600669.
Hyperaldosteronism, familial, type IV (HALD4). Also called: FH IV; ALDOSTERONISM, PRIMARY, AND HYPERTENSION. Identifiers: Orphanet 642671, MedGen C4310756, MONDO:0014875, OMIM 617027.

Submission:

Labcorp Genetics (formerly Invitae), Labcorp
Classification: Uncertain significance for Idiopathic generalized epilepsy; Hyperaldosteronism, familial, type IV. Last evaluated: 2023-03-16. Review status: criteria provided, single submitter. Criteria: Invitae Variant Classification Sherloc (09022015). Collection method: clinical testing. Allele origin: germline.
Comment: In summary, the available evidence is currently insufficient to determine the role of this variant in disease. Therefore, it has been classified as a Variant of Uncertain Significance. Advanced modeling of protein sequence and biophysical properties (such as structural, functional, and spatial information, amino acid conservation, physicochemical variation, residue mobility, and thermodynamic stability) performed at Invitae indicates that this missense variant is not expected to disrupt CACNA1H protein function. This variant has not been reported in the literature in individuals affected with CACNA1H-related conditions. This variant is not present in population databases (gnomAD no frequency). This sequence change replaces glycine, which is neutral and non-polar, with serine, which is neutral and polar, at codon 2002 of the CACNA1H protein (p.Gly2002Ser).